The following is an entry in ClinVar:

ClinVar aggregate classification (germline): Uncertain significance (1 of 4 stars; one submission).

Submission:

Laboratorio de Genetica e Diagnostico Molecular, Hospital Israelita Albert Einstein
Classification: Uncertain significance. Last evaluated: 2021-10-07. Review status: criteria provided, single submitter. Criteria: ACMG Guidelines, 2015. Collection method: clinical testing. Allele origin: germline. Affected: yes.
Comment: ACMG classification criteria: PM2, BP4

NM_182641.4(BPTF):c.1864+668A>G

Gene: BPTF (bromodomain PHD finger transcription factor; plus strand). Cytogenetic location: 17q24.2.
Variant type: single nucleotide variant.
Coding change: c.1864+668A>G on transcript NM_182641.4 (MANE Select); 668 bases into the intron after coding-DNA position 1864, A replaced by G.
Molecular consequence: intron variant. On other transcripts: missense variant (1).
Genome position (GRCh38, 1-based): chr17:67,875,688, A>G. VCF-style: chr17-67875688-A-G. GRCh37 (hg19) VCF-style: chr17-65871804-A-G.
Other names: c.1997A>G, p.Asp666Gly (NM_004459.7); short protein forms D666G.
Identifiers: ClinVar variation 1690478 (VCV001690478.2), dbSNP rs2145767665, ClinGen allele CA400715080.
Genomic context (GRCh38, chr17:67,875,688, plus strand): 5'-CAGAAGAGACTAGTCCCTCTGAAGGGAGGAGCCCTGTGGGGTGTCTCTCAGAAACCCCCG[A>G]TAGCAGCAACATGGCAGAGAAGAAGGTGGCATCTGAGCTCCCCCAGGATGTGCCAGGTAC-3'